The following is an entry in ClinVar:

ClinVar aggregate classification (germline): Uncertain significance (1 of 4 stars; one submission).

Conditions:
Spastic paraplegia. Identifiers: MedGen C0037772, HP:0001258.

Allele frequency attached by ClinVar (database versions not stated): gnomAD exomes 0.00001; gnomAD 0.00001; TOPMed 0.00001; ExAC 0.00001.
gnomAD v4.1: 21 of 1,614,072 alleles (0.0013%); highest among the groups gnomAD compares: Non-Finnish European, 0.0017%; no homozygotes.

Submission:

Labcorp Genetics (formerly Invitae), Labcorp
Classification: Uncertain significance for Spastic paraplegia. Last evaluated: 2021-12-16. Review status: criteria provided, single submitter. Criteria: Invitae Variant Classification Sherloc (09022015). Collection method: clinical testing. Allele origin: germline.
Comment: This sequence change replaces serine, which is neutral and polar, with asparagine, which is neutral and polar, at codon 863 of the ZFYVE26 protein (p.Ser863Asn). This variant is present in population databases (rs750021215, gnomAD 0.002%). This variant has not been reported in the literature in individuals affected with ZFYVE26-related conditions. Algorithms developed to predict the effect of missense changes on protein structure and function (SIFT, PolyPhen-2, Align-GVGD) all suggest that this variant is likely to be tolerated. In summary, the available evidence is currently insufficient to determine the role of this variant in disease. Therefore, it has been classified as a Variant of Uncertain Significance.

NM_015346.4(ZFYVE26):c.2588G>A (p.Ser863Asn)

Gene: ZFYVE26 (zinc finger FYVE-type containing 26; minus strand). Cytogenetic location: 14q24.1.
Variant type: single nucleotide variant.
Coding change: c.2588G>A on transcript NM_015346.4 (MANE Select); coding-DNA position 2588, G replaced by A.
Protein change: p.Ser863Asn; replaces serine 863 with asparagine.
Molecular consequence: missense variant.
Genome position (GRCh38, 1-based): chr14:67,790,739, C>T on the plus strand (G>A on the coding strand, the complement: ZFYVE26 is on the minus strand). VCF-style: chr14-67790739-C-T. GRCh37 (hg19) VCF-style: chr14-68257456-C-T.
Other names: short protein forms S863N.
Identifiers: ClinVar variation 1356693 (VCV001356693.3), dbSNP rs750021215, ClinGen allele CA7240218.